The following is an entry in ClinVar:

ClinVar aggregate classification (germline): Uncertain significance. Review status: criteria provided, single submitter (1 of 4 stars). 2 submissions from 2 submitters: Uncertain significance (1). 1 of the submissions does not count toward it. Last evaluated 2023-04-15.

Conditions:
Hajdu-Cheney syndrome (HJCYS). Also called: SERPENTINE FIBULA-POLYCYSTIC KIDNEY SYNDROME; ACROOSTEOLYSIS WITH OSTEOPOROSIS AND CHANGES IN SKULL AND MANDIBLE; Acroosteolysis dominant type. Identifiers: Orphanet 955, MedGen C0917715, MONDO:0007057, OMIM 102500.

Allele frequency attached by ClinVar (database versions not stated): ExAC 0.00001; gnomAD 0.00001 and 0.00002; TOPMed 0.00001; 1000 Genomes Project 0.00020; 1000 Genomes Project 30x 0.00031.
gnomAD v4.1: 8 of 1,614,100 alleles (0.0005%); highest among the groups gnomAD compares: African/African-American, 0.008%; no homozygotes.

Submissions (2):

Labcorp Genetics (formerly Invitae), Labcorp
Classification: Uncertain significance for Hajdu-Cheney syndrome. Last evaluated: 2023-04-15. Review status: criteria provided, single submitter. Criteria: Invitae Variant Classification Sherloc (09022015). Collection method: clinical testing. Allele origin: germline.
Comment: This variant has not been reported in the literature in individuals affected with NOTCH2-related conditions. ClinVar contains an entry for this variant (Variation ID: 134969). Advanced modeling of protein sequence and biophysical properties (such as structural, functional, and spatial information, amino acid conservation, physicochemical variation, residue mobility, and thermodynamic stability) performed at Invitae indicates that this missense variant is not expected to disrupt NOTCH2 protein function. In summary, the available evidence is currently insufficient to determine the role of this variant in disease. Therefore, it has been classified as a Variant of Uncertain Significance. This variant is present in population databases (rs73004269, gnomAD 0.01%). This sequence change replaces asparagine, which is neutral and polar, with serine, which is neutral and polar, at codon 506 of the NOTCH2 protein (p.Asn506Ser).

ITMI
No classification provided. Condition: AllHighlyPenetrant. Last evaluated: 2013-09-19. Review status: no classification provided. Collection method: reference population. Allele origin: germline. Not counted in ClinVar's aggregate classification.
Comment: Please see associated publication for description of ethnicities

Literature cited by the submitters: PubMed 24728327 (cited by ITMI).

NM_024408.4(NOTCH2):c.1517A>G (p.Asn506Ser)

Gene: NOTCH2 (notch receptor 2; minus strand). Cytogenetic location: 1p12.
Variant type: single nucleotide variant.
Coding change: c.1517A>G on transcript NM_024408.4 (MANE Select); coding-DNA position 1517, A replaced by G.
Protein change: p.Asn506Ser; replaces asparagine 506 with serine.
Molecular consequence: missense variant.
Genome position (GRCh38, 1-based): chr1:119,966,426, T>C on the plus strand (A>G on the coding strand, the complement: NOTCH2 is on the minus strand). VCF-style: chr1-119966426-T-C. GRCh37 (hg19) VCF-style: chr1-120509049-T-C.
Other names: c.1517A>G, p.Asn506Ser (NM_001200001.2); short protein forms N506S.
Identifiers: ClinVar variation 134969 (VCV000134969.4), dbSNP rs73004269, ClinGen allele CA161265.